The following is an entry in ClinVar:

ClinVar aggregate classification (germline): Uncertain significance. Review status: criteria provided, multiple submitters, no conflicts (2 of 4 stars). 3 submissions from 3 submitters: Uncertain significance (3). Last evaluated 2025-06-23.

Conditions:
Cardiovascular phenotype. Identifiers: MedGen CN230736.
Dilated cardiomyopathy 1KK (CMD1KK). Identifiers: Orphanet 154, Orphanet 75249, MedGen C3714995, MONDO:0014100, OMIM 615248.

gnomAD v4.1: 2 of 1,614,122 alleles (0.00012%); highest among the groups gnomAD compares: Non-Finnish European, 0.00017%; no homozygotes.

Submissions (3):

GeneDx
Classification: Uncertain significance. Last evaluated: 2025-06-23. Review status: criteria provided, single submitter. Criteria: GeneDx Variant Classification Process June 2021. Collection method: clinical testing. Allele origin: germline. Affected: yes.
Comment: Not observed at significant frequency in large population cohorts (gnomAD); In silico analysis supports that this missense variant has a deleterious effect on protein structure/function; Has not been previously published as pathogenic or benign to our knowledge

Ambry Genetics
Classification: Uncertain significance for Cardiovascular phenotype. Last evaluated: 2025-02-23. Review status: criteria provided, single submitter. Criteria: Ambry Variant Classification Scheme 2023. Collection method: clinical testing. Allele origin: germline.
Comment: The p.R922H variant (also known as c.2765G>A), located in coding exon 12 of the MYPN gene, results from a G to A substitution at nucleotide position 2765. The arginine at codon 922 is replaced by histidine, an amino acid with highly similar properties. This amino acid position is conserved. In addition, the in silico prediction for this alteration is inconclusive. Based on the available evidence, the clinical significance of this variant remains unclear.

Labcorp Genetics (formerly Invitae), Labcorp
Classification: Uncertain significance for Dilated cardiomyopathy 1KK. Last evaluated: 2021-08-26. Review status: criteria provided, single submitter. Criteria: Invitae Variant Classification Sherloc (09022015). Collection method: clinical testing. Allele origin: germline.
Comment: This sequence change replaces arginine with histidine at codon 922 of the MYPN protein (p.Arg922His). The arginine residue is highly conserved and there is a small physicochemical difference between arginine and histidine. This variant is not present in population databases (ExAC no frequency). This variant has not been reported in the literature in individuals affected with MYPN-related conditions. Algorithms developed to predict the effect of missense changes on protein structure and function are either unavailable or do not agree on the potential impact of this missense change (SIFT: "Deleterious"; PolyPhen-2: "Probably Damaging"; Align-GVGD: "Class C0"). In summary, the available evidence is currently insufficient to determine the role of this variant in disease. Therefore, it has been classified as a Variant of Uncertain Significance.

NM_032578.4(MYPN):c.2765G>A (p.Arg922His)

Gene: MYPN (myopalladin; plus strand). Cytogenetic location: 10q21.3.
Variant type: single nucleotide variant.
Coding change: c.2765G>A on transcript NM_032578.4 (MANE Select); coding-DNA position 2765, G replaced by A.
Protein change: p.Arg922His; replaces arginine 922 with histidine.
Molecular consequence: missense variant. On other transcripts: non-coding transcript variant (2).
Genome position (GRCh38, 1-based): chr10:68,188,966, G>A. VCF-style: chr10-68188966-G-A. GRCh37 (hg19) VCF-style: chr10-69948723-G-A.
Other names: c.2765G>A (NM_032578.2, NM_032578.3); c.2765G>A, p.Arg922His (NM_001256267.2); c.1883G>A, p.Arg628His (NM_001256268.2); short protein forms R628H, R922H.
Identifiers: ClinVar variation 1017771 (VCV001017771.8), dbSNP rs2043465909, ClinGen allele CA376853323.